The following is an entry in ClinVar:

ClinVar aggregate classification (germline): Uncertain significance (1 of 4 stars; one submission).

Conditions:
Cardiovascular phenotype. Identifiers: MedGen CN230736.

Submission:

Ambry Genetics
Classification: Uncertain significance for Cardiovascular phenotype. Last evaluated: 2026-08-24. Review status: criteria provided, single submitter. Criteria: Ambry Variant Classification Scheme 2023. Collection method: clinical testing. Allele origin: germline.
Comment: The p.G402S variant (also known as c.1204G>A), located in coding exon 9 of the DSC2 gene, results from a G to A substitution at nucleotide position 1204. The glycine at codon 402 is replaced by serine, an amino acid with similar properties. This amino acid position is conserved. In addition, this alteration is predicted to be tolerated by in silico analysis. Based on the available evidence, the clinical significance of this variant remains unclear.

NM_024422.6(DSC2):c.1204G>A (p.Gly402Ser)

Gene: DSC2 (desmocollin 2; minus strand). Cytogenetic location: 18q12.1.
Variant type: single nucleotide variant.
Coding change: c.1204G>A on transcript NM_024422.6 (MANE Select); coding-DNA position 1204, G replaced by A.
Protein change: p.Gly402Ser; replaces glycine 402 with serine.
Molecular consequence: missense variant.
Genome position (GRCh38, 1-based): chr18:31,082,297, C>T on the plus strand (G>A on the coding strand, the complement: DSC2 is on the minus strand). VCF-style: chr18-31082297-C-T. GRCh37 (hg19) VCF-style: chr18-28662263-C-T.
Other names: c.775G>A, p.Gly259Ser (NM_001406506.1, NM_001406507.1); c.1204G>A, p.Gly402Ser (NM_004949.5); short protein forms G402S, G259S.
Identifiers: ClinVar variation 5035594 (VCV005035594.1).